The following is an entry in ClinVar:

ClinVar aggregate classification (germline): Uncertain significance (0 of 4 stars; one submission).

Conditions:
POGZ-related disorder. Also called: POGZ-related condition.

Submission:

PreventionGenetics, part of Exact Sciences
Classification: Uncertain significance for POGZ-related condition. Last evaluated: 2024-04-04. Review status: no assertion criteria provided. Collection method: clinical testing. Allele origin: germline.
Comment: The POGZ c.1484G>A variant is predicted to result in the amino acid substitution p.Arg495Gln. To our knowledge, this variant has not been reported in the literature. This variant is reported in 0.0033% of alleles in individuals of South Asian descent in gnomAD. At this time, the clinical significance of this variant is uncertain due to the absence of conclusive functional and genetic evidence.

NM_015100.4(POGZ):c.1484G>A (p.Arg495Gln)

Gene: POGZ (pogo transposable element derived with ZNF domain; minus strand). Cytogenetic location: 1q21.3.
Variant type: single nucleotide variant.
Coding change: c.1484G>A on transcript NM_015100.4 (MANE Select); coding-DNA position 1484, G replaced by A.
Protein change: p.Arg495Gln; replaces arginine 495 with glutamine.
Molecular consequence: missense variant.
Genome position (GRCh38, 1-based): chr1:151,423,988, C>T on the plus strand (G>A on the coding strand, the complement: POGZ is on the minus strand). VCF-style: chr1-151423988-C-T. GRCh37 (hg19) VCF-style: chr1-151396464-C-T.
Other names: c.1457G>A, p.Arg486Gln (NM_001194937.2); c.1298G>A, p.Arg433Gln (NM_001194938.2); c.1505G>A, p.Arg502Gln (NM_001410860.1); c.1199G>A, p.Arg400Gln (NM_145796.4); c.1325G>A, p.Arg442Gln (NM_207171.2); short protein forms R433Q, R442Q, R486Q, R495Q, R502Q, R400Q.
Identifiers: ClinVar variation 3349929 (VCV003349929.1).